The following is an entry in ClinVar:

NM_000039.3(APOA1):c.83C>G (p.Pro28Arg)

Genes: APOA1-AS (APOA1 antisense RNA; plus strand), APOA1 (apolipoprotein A1; minus strand). Cytogenetic location: 11q23.3.
Variant type: single nucleotide variant.
Coding change: c.83C>G on transcript NM_000039.3 (MANE Select); coding-DNA position 83, C replaced by G.
Protein change: p.Pro28Arg; replaces proline 28 with arginine.
Molecular consequence: missense variant. On other transcripts: 5 prime UTR variant (1), intron variant (2).
Genome position (GRCh38, 1-based): chr11:116,837,118, G>C on the plus strand (C>G on the coding strand, the complement: APOA1 is on the minus strand). VCF-style: chr11-116837118-G-C. GRCh37 (hg19) VCF-style: chr11-116707834-G-C.
Other names: P4R; c.83C>G, p.Pro28Arg (NM_001318017.2, NM_001318018.2, NM_001425090.1 and 1 more transcripts); c.-245C>G (NM_001425092.1); c.-128+227C>G (NM_001425091.1); c.-240-5C>G (NM_001318021.2); short protein forms P28R.
Identifiers: ClinVar variation 17915 (VCV000017915.11), dbSNP rs121912721, ClinGen allele CA127555.

ClinVar aggregate classification (germline): Uncertain significance. Review status: criteria provided, multiple submitters, no conflicts (2 of 4 stars). 4 submissions from 4 submitters: Uncertain significance (3). 1 of the submissions does not count toward it. Last evaluated 2025-10-28.

Conditions:
Hypoalphalipoproteinemia, primary, 2. Also called: HIGH DENSITY LIPOPROTEIN DEFICIENCY; HYPOALPHALIPOPROTEINEMIA, PRIMARY, 2, AUTOSOMAL RECESSIVE. Identifiers: MedGen C5551172, MONDO:0032766, OMIM 618463.
Hypoalphalipoproteinemia, primary, 2, intermediate. Also called: HYPOALPHALIPOPROTEINEMIA, PRIMARY, 2, AUTOSOMAL DOMINANT. Identifiers: MedGen C5677030, MONDO:0859238, OMIM 619836.
Familial amyloid polyneuropathy, Iowa type (AMYLD3). Also called: Familial amyloid polyneuropathy type III; AMYLOIDOSIS, HEREDITARY SYSTEMIC 3; AMYLOIDOSIS, IOWA TYPE; AMYLOIDOSIS, VAN ALLEN TYPE; AMYLOIDOSIS, TYPE III; AMYLOIDOSIS, TYPE IV. Identifiers: MedGen C4551500, MONDO:0971008, OMIM 620657.
APOLIPOPROTEIN A-I (MUNSTER3B).

Allele frequency attached by ClinVar (database versions not stated): gnomAD exomes 0.00001; ExAC 0.00003; gnomAD 0.00003; TOPMed 0.00003.
gnomAD v4.1: 68 of 1,613,616 alleles (0.0042%); highest among the groups gnomAD compares: Middle Eastern, 0.016%; no homozygotes.

Submissions (4):

Labcorp Genetics (formerly Invitae), Labcorp
Classification: Uncertain significance. Last evaluated: 2025-10-28. Review status: criteria provided, single submitter. Criteria: Invitae Variant Classification Sherloc (09022015). Collection method: clinical testing. Allele origin: germline.
Comment: This sequence change replaces proline, which is neutral and non-polar, with arginine, which is basic and polar, at codon 28 of the APOA1 protein (p.Pro28Arg). This variant is present in population databases (rs121912721, gnomAD 0.004%). This variant has not been reported in the literature in individuals affected with APOA1-related conditions. ClinVar contains an entry for this variant (Variation ID: 17915). Invitae Evidence Modeling of protein sequence and biophysical properties (such as structural, functional, and spatial information, amino acid conservation, physicochemical variation, residue mobility, and thermodynamic stability) has been performed for this missense variant. However, the output from this modeling did not meet the statistical confidence thresholds required to predict the impact of this variant on APOA1 protein function. In summary, the available evidence is currently insufficient to determine the role of this variant in disease. Therefore, it has been classified as a Variant of Uncertain Significance.

Women's Health and Genetics/Laboratory Corporation of America, LabCorp
Classification: Uncertain significance. Last evaluated: 2025-03-25. Review status: criteria provided, single submitter. Criteria: LabCorp Variant Classification Summary - May 2015. Collection method: clinical testing. Allele origin: germline.
Comment: Variant summary: APOA1 c.83C>G (p.Pro28Arg) results in a non-conservative amino acid change in the encoded protein sequence. Four of four in-silico tools predict a damaging effect of the variant on protein function. The variant allele was found at a frequency of 1.2e-05 in 250996 control chromosomes (gnomAD). The available data on variant occurrences in the general population are insufficient to allow any conclusion about variant significance. c.83C>G has been reported in the literature in individuals affected with APOA1-related disorders (Menzel_1984, Schaefer_1989, Pisciotta_2015). These reports do not provide unequivocal conclusions about association of the variant with Cardiomyopathy. At least one publication reports experimental evidence evaluating an impact on protein function. These results showed no damaging effect of this variant (Jonas_1991). The following publications have been ascertained in the context of this evaluation (PMID: 1901346, 6421816, 26687706, 6431953). ClinVar contains an entry for this variant (Variation ID: 17915). Based on the evidence outlined above, the variant was classified as uncertain significance.

Fulgent Genetics
Classification: Uncertain significance for Hypoalphalipoproteinemia, primary, 2; Hypoalphalipoproteinemia, primary, 2, intermediate; Familial amyloid polyneuropathy, Iowa type. Last evaluated: 2024-05-25. Review status: criteria provided, single submitter. Criteria: ACMG Guidelines, 2015. Collection method: clinical testing. Allele origin: germline.

OMIM
Classification: Pathogenic for APOLIPOPROTEIN A-I (MUNSTER3B). Last evaluated: 1989-12-01. Review status: no assertion criteria provided. Collection method: literature only. Allele origin: germline. Not counted in ClinVar's aggregate classification.

Literature cited by the submitters: PubMed 1901346 (cited by Women's Health and Genetics/Laboratory Corporation of America, LabCorp); PubMed 6421816 (cited by Women's Health and Genetics/Laboratory Corporation of America, LabCorp); PubMed 26687706 (cited by Women's Health and Genetics/Laboratory Corporation of America, LabCorp); PubMed 6431953 (cited by Women's Health and Genetics/Laboratory Corporation of America, LabCorp); PubMed 2512329 (cited by OMIM); Breslow, J. L., Karathanasis, S., Norum, R., Zannis, V. I. APO A-I deficiency and premature atherosclerosis associated with an insertion in the APO A-I gene. (Abstract) Pediat. Res. 17: 208A-only, 1983. (cited by OMIM).